The following is an entry in ClinVar:

ClinVar aggregate classification (germline): Benign (0 of 4 stars; one submission).

Conditions:
NLRP5-related disorder. Also called: NLRP5-related condition.

Allele frequency attached by ClinVar (database versions not stated): 1000 Genomes Project 30x 0.19160; 1000 Genomes Project 0.20108; ESP Exome Variant Server 0.13231; TOPMed 0.15750.
gnomAD v4.1: 211,485 of 1,613,728 alleles (13%); highest among the groups gnomAD compares: East Asian, 33%; 16,254 homozygotes.

Submission:

PreventionGenetics, part of Exact Sciences
Classification: Benign for NLRP5-related condition. Last evaluated: 2024-01-05. Review status: no assertion criteria provided. Collection method: clinical testing. Allele origin: germline.
Comment: This variant is classified as benign based on ACMG/AMP sequence variant interpretation guidelines (Richards et al. 2015 PMID: 25741868, with internal and published modifications).

NM_001433705.1(NLRP5):c.162C>T (p.Asn54=)

Gene: NLRP5 (NLR family pyrin domain containing 5; plus strand). Cytogenetic location: 19q13.43.
Variant type: single nucleotide variant.
Coding change: c.162C>T on transcript NM_001433705.1 (MANE Select); coding-DNA position 162, C replaced by T.
Protein change: p.Asn54=; no amino-acid change (asparagine 54 retained).
Molecular consequence: synonymous variant.
Genome position (GRCh38, 1-based): chr19:56,003,968, C>T. VCF-style: chr19-56003968-C-T. GRCh37 (hg19) VCF-style: chr19-56515334-C-T.
Other names: NM_153447.4:c.315C>T.
Identifiers: ClinVar variation 3059251 (VCV003059251.2), dbSNP rs1560691, ClinGen allele CA9685159.